The following is an entry in ClinVar:

ClinVar aggregate classification (germline): Uncertain significance. Review status: criteria provided, multiple submitters, no conflicts (2 of 4 stars). 2 submissions from 2 submitters: Uncertain significance (2). Last evaluated 2026-04-23.

Conditions:
Hereditary cancer-predisposing syndrome. Also called: Tumor predisposition; Hereditary neoplastic syndrome; Neoplastic Syndromes, Hereditary; Hereditary Cancer Syndrome. Identifiers: Orphanet 140162, MedGen C0027672, MeSH D009386, MONDO:0015356.
Familial cancer of breast. Also called: hereditary breast carcinoma; Hereditary breast cancer; BREAST CANCER, FAMILIAL. Identifiers: Orphanet 227535, MedGen C0346153, MONDO:0016419, OMIM 114480. Disease mechanism: loss of function.

Submissions (2):

Ambry Genetics
Classification: Uncertain significance for Hereditary cancer-predisposing syndrome. Last evaluated: 2026-04-23. Review status: criteria provided, single submitter. Criteria: Ambry Variant Classification Scheme 2023. Collection method: clinical testing. Allele origin: germline.
Comment: The p.P610L variant (also known as c.1829C>T), located in coding exon 9 of the BARD1 gene, results from a C to T substitution at nucleotide position 1829. The proline at codon 610 is replaced by leucine, an amino acid with similar properties. This amino acid position is well conserved in available vertebrate species. In addition, the in silico prediction for this alteration is inconclusive. Based on the available evidence, the clinical significance of this variant remains unclear.

Baylor Genetics
Classification: Uncertain significance for Familial cancer of breast. Last evaluated: 2023-07-25. Review status: criteria provided, single submitter. Criteria: ACMG Guidelines, 2015. Collection method: clinical testing. Allele origin: unknown.

NM_000465.4(BARD1):c.1829C>T (p.Pro610Leu)

Gene: BARD1 (BRCA1 associated RING domain 1; minus strand). Cytogenetic location: 2q35.
Variant type: single nucleotide variant.
Coding change: c.1829C>T on transcript NM_000465.4 (MANE Select); coding-DNA position 1829, C replaced by T.
Protein change: p.Pro610Leu; replaces proline 610 with leucine.
Molecular consequence: missense variant. On other transcripts: non-coding transcript variant (3), intron variant (1).
Genome position (GRCh38, 1-based): chr2:214,745,141, G>A on the plus strand (C>T on the coding strand, the complement: BARD1 is on the minus strand). VCF-style: chr2-214745141-G-A. GRCh37 (hg19) VCF-style: chr2-215609865-G-A.
Other names: c.1772C>T, p.Pro591Leu (NM_001282543.2); c.476C>T, p.Pro159Leu (NM_001282545.2); c.419C>T, p.Pro140Leu (NM_001282548.2); c.365-14633C>T (NM_001282549.2); c.1829C>T (NM_000465.2); short protein forms P140L, P159L, P591L, P610L.
Identifiers: ClinVar variation 2679925 (VCV002679925.2), dbSNP rs1356587186, ClinGen allele CA350452293.